The following is an entry in ClinVar:

NM_173354.5(SIK1):c.273+6G>C

Gene: SIK1 (salt inducible kinase 1; minus strand). Cytogenetic location: 21q22.3.
Variant type: single nucleotide variant.
Coding change: c.273+6G>C on transcript NM_173354.5 (MANE Select); 6 bases into the intron after coding-DNA position 273, G replaced by C.
Molecular consequence: intron variant.
Genome position (GRCh38, 1-based): chr21:43,425,401, C>G on the plus strand (G>C on the coding strand, the complement: SIK1 is on the minus strand). VCF-style: chr21-43425401-C-G. GRCh37 (hg19) VCF-style: chr21-44845281-C-G.
Identifiers: ClinVar variation 658515 (VCV000658515.9), dbSNP rs1352249378, ClinGen allele CA749590210.

ClinVar aggregate classification (germline): Uncertain significance (1 of 4 stars; one submission).

Conditions:
Developmental and epileptic encephalopathy, 30 (DEE30). Also called: Epileptic encephalopathy, early infantile, 30. Identifiers: MedGen C4225360, MONDO:0014595, OMIM 616341.

Allele frequency attached by ClinVar (database versions not stated): gnomAD exomes below 0.00001.

Submission:

Labcorp Genetics (formerly Invitae), Labcorp
Classification: Uncertain significance for Developmental and epileptic encephalopathy, 30. Last evaluated: 2022-02-17. Review status: criteria provided, single submitter. Criteria: Invitae Variant Classification Sherloc (09022015). Collection method: clinical testing. Allele origin: germline.
Comment: This variant has not been reported in the literature in individuals affected with SIK1-related conditions. In summary, the available evidence is currently insufficient to determine the role of this variant in disease. Therefore, it has been classified as a Variant of Uncertain Significance. Variants that disrupt the consensus splice site are a relatively common cause of aberrant splicing (PMID: 17576681, 9536098). Algorithms developed to predict the effect of sequence changes on RNA splicing suggest that this variant is not likely to affect RNA splicing. ClinVar contains an entry for this variant (Variation ID: 658515). This variant is present in population databases (no rsID available, gnomAD 0.001%). This sequence change falls in intron 3 of the SIK1 gene. It does not directly change the encoded amino acid sequence of the SIK1 protein. It affects a nucleotide within the consensus splice site.

Literature cited by the submitters: PubMed 17576681; PubMed 9536098.